The following is an entry in ClinVar:

ClinVar aggregate classification (germline): Conflicting classifications of pathogenicity. Review status: criteria provided, conflicting classifications (1 of 4 stars). 3 submissions from 3 submitters: Uncertain significance (1); Benign (1); Likely benign (1). Last evaluated 2025-10-01.

Conditions:
Inborn genetic diseases. Identifiers: MedGen C0950123, MeSH D030342.

Allele frequency attached by ClinVar (database versions not stated): gnomAD 0.00003; gnomAD exomes 0.00006.
gnomAD v4.1: 78 of 1,310,554 alleles (0.006%); highest among the groups gnomAD compares: South Asian, 0.06%; no homozygotes.

Submissions (3):

CeGaT Center for Human Genetics Tuebingen
Classification: Likely benign. Last evaluated: 2025-10-01. Review status: criteria provided, single submitter. Criteria: CeGaT Center For Human Genetics Tuebingen Variant Classification Criteria Version 2. Collection method: clinical testing. Allele origin: germline. Affected: yes. Observed: 1 variant allele.
Comment: ARID1B: BP1, BS2

Labcorp Genetics (formerly Invitae), Labcorp
Classification: Benign. Last evaluated: 2024-12-28. Review status: criteria provided, single submitter. Criteria: Invitae Variant Classification Sherloc (09022015). Collection method: clinical testing. Allele origin: germline.

Ambry Genetics
Classification: Uncertain significance for Inborn genetic diseases. Last evaluated: 2022-02-15. Review status: criteria provided, single submitter. Criteria: Ambry Variant Classification Scheme 2023. Collection method: clinical testing. Allele origin: germline.

NM_001374828.1(ARID1B):c.1255G>A (p.Ala419Thr)

Gene: ARID1B (AT-rich interaction domain 1B; plus strand). Cytogenetic location: 6q25.3.
Variant type: single nucleotide variant.
Coding change: c.1255G>A on transcript NM_001374828.1 (MANE Select); coding-DNA position 1255, G replaced by A.
Protein change: p.Ala419Thr; replaces alanine 419 with threonine.
Molecular consequence: missense variant.
Genome position (GRCh38, 1-based): chr6:156,778,935, G>A. VCF-style: chr6-156778935-G-A. GRCh37 (hg19) VCF-style: chr6-157100069-G-A.
Other names: c.1006G>A, p.Ala336Thr (NM_001346813.1, NM_020732.3); c.1255G>A, p.Ala419Thr (NM_001371656.1, NM_001374820.1, NM_017519.3); c.832G>A, p.Ala278Thr (NM_175863.2); short protein forms A278T, A336T, A419T.
Identifiers: ClinVar variation 1785323 (VCV001785323.10), dbSNP rs1296610881, ClinGen allele CA366383756.